The following is an entry in ClinVar:

ClinVar aggregate classification (germline): Likely benign (1 of 4 stars; one submission).

Allele frequency attached by ClinVar (database versions not stated): TOPMed below 0.00001 and 0.00001; gnomAD 0.00001.

Submission:

GeneDx
Classification: Likely benign. Last evaluated: 2017-03-27. Review status: criteria provided, single submitter. Criteria: GeneDx Variant Classification (06012015). Collection method: clinical testing. Allele origin: germline. Affected: yes.
Comment: This variant is considered likely benign or benign based on one or more of the following criteria: it is a conservative change, it occurs at a poorly conserved position in the protein, it is predicted to be benign by multiple in silico algorithms, and/or has population frequency not consistent with disease.

NM_002230.4(JUP):c.-9+9T>C

Genes: JUP (junction plakoglobin; minus strand), LOC130060847 (ATAC-STARR-seq lymphoblastoid silent region 8499; plus strand). Cytogenetic location: 17q21.2.
Variant type: single nucleotide variant.
Coding change: c.-9+9T>C on transcript NM_002230.4 (MANE Select); 9 bases into the intron after 9 bases upstream of the start codon, T replaced by C.
Molecular consequence: intron variant. On other transcripts: 5 prime UTR variant (2).
Genome position (GRCh38, 1-based): chr17:41,786,579, A>G on the plus strand (T>C on the coding strand, the complement: JUP is on the minus strand). VCF-style: chr17-41786579-A-G. GRCh37 (hg19) VCF-style: chr17-39942831-A-G.
Other names: c.-22T>C (NM_001352773.2); c.-19T>C (NM_001352775.2); c.-6+9T>C (NM_001352774.2); c.-9+9T>C (NM_021991.4); c.-118+9T>C (NM_001352776.2).
Identifiers: ClinVar variation 384316 (VCV000384316.1), dbSNP rs1057521919, ClinGen allele CA16607237.
Genomic context (GRCh38, chr17:41,786,579, plus strand): 5'-GGGACCGGCCCCGCGGCCGCTCGCCACCCCTCTGTCCCCAACGATACCTGCGCCCCCGAT[A>G]GCCCGCACCTGAGTATGGGGCCTGACCGGGCCGGGTCGGGGTCGGGCCGGGGTGGGAGCC-3'